The following is an entry in ClinVar:

NM_002232.5(KCNA3):c.278T>G (p.Leu93Arg)

Gene: KCNA3 (potassium voltage-gated channel subfamily A member 3; minus strand). Cytogenetic location: 1p13.3.
Variant type: single nucleotide variant.
Coding change: c.278T>G on transcript NM_002232.5 (MANE Select); coding-DNA position 278, T replaced by G.
Protein change: p.Leu93Arg; replaces leucine 93 with arginine.
Molecular consequence: missense variant.
Genome position (GRCh38, 1-based): chr1:110,674,532, A>C on the plus strand (T>G on the coding strand, the complement: KCNA3 is on the minus strand). VCF-style: chr1-110674532-A-C. GRCh37 (hg19) VCF-style: chr1-111217154-A-C.
Other names: short protein forms L93R.
Identifiers: ClinVar variation 4540081 (VCV004540081.1).
Genomic context (GRCh38, chr1:110,674,532, plus strand): 5'-AGCCCGGAGATGTTGATGACCACGCGCTCCCCGCAGCAGTCCTGCTCGCCCGCGGCCGGC[A>C]GTGAGGGCGGCAGCGGCTCGTAGCGGTCGCAGCCGCCGCCGCCACAGCCGCCTTGAGGCG-3'
Protein context (NP_002223.3, residues 83-103): CDRYEPLPPS[Leu93Arg]PAAGEQDCCG

ClinVar aggregate classification (germline): Uncertain significance (1 of 4 stars; one submission).

Submission:

GeneDx
Classification: Uncertain significance. Last evaluated: 2025-06-20. Review status: criteria provided, single submitter. Criteria: GeneDx Variant Classification Process June 2021. Collection method: clinical testing. Allele origin: germline. Affected: yes.
Comment: Not observed at significant frequency in large population cohorts (gnomAD); In silico analysis suggests that this missense variant does not alter protein structure/function; Has not been previously published as pathogenic or benign to our knowledge